The following is an entry in ClinVar:

NM_001378120.1(MBD5):c.4921G>A (p.Asp1641Asn)

Gene: MBD5 (methyl-CpG binding domain protein 5; plus strand). Cytogenetic location: 2q23.1.
Variant type: single nucleotide variant.
Coding change: c.4921G>A on transcript NM_001378120.1 (MANE Select); coding-DNA position 4921, G replaced by A.
Protein change: p.Asp1641Asn; replaces aspartic acid 1641 with asparagine.
Molecular consequence: missense variant.
Genome position (GRCh38, 1-based): chr2:148,490,553, G>A. VCF-style: chr2-148490553-G-A. GRCh37 (hg19) VCF-style: chr2-149248122-G-A.
Other names: c.4222G>A, p.Asp1408Asn (NM_018328.5); short protein forms D1641N, D1408N.
Identifiers: ClinVar variation 934248 (VCV000934248.17), dbSNP rs780805788, ClinGen allele CA1900483.

ClinVar aggregate classification (germline): Conflicting classifications of pathogenicity. Review status: criteria provided, conflicting classifications (1 of 4 stars). 3 submissions from 3 submitters: Uncertain significance (1); Likely benign (2). Last evaluated 2025-10-01.

Conditions:
Inborn genetic diseases. Identifiers: MedGen C0950123, MeSH D030342.
Intellectual developmental disorder, autosomal dominant 1. Also called: Intellectual disability, autosomal dominant 1; MBD5 Haploinsufficiency. Identifiers: Orphanet 228402, MedGen C1969562, MONDO:0007974, OMIM 156200.

Allele frequency attached by ClinVar (database versions not stated): gnomAD exomes below 0.00001 and 0.00001; TOPMed below 0.00001; ExAC 0.00001; gnomAD 0.00001.
gnomAD v4.1: 9 of 1,614,030 alleles (0.00056%); highest among the groups gnomAD compares: East Asian, 0.0022%; no homozygotes.

Submissions (3):

CeGaT Center for Human Genetics Tuebingen
Classification: Likely benign. Last evaluated: 2025-10-01. Review status: criteria provided, single submitter. Criteria: CeGaT Center For Human Genetics Tuebingen Variant Classification Criteria Version 2. Collection method: clinical testing. Allele origin: germline. Affected: yes. Observed: 1 variant allele.
Comment: MBD5: BP4

Labcorp Genetics (formerly Invitae), Labcorp
Classification: Uncertain significance for Intellectual developmental disorder, autosomal dominant 1. Last evaluated: 2024-07-15. Review status: criteria provided, single submitter. Criteria: Invitae Variant Classification Sherloc (09022015). Collection method: clinical testing. Allele origin: germline.
Comment: This sequence change replaces aspartic acid, which is acidic and polar, with asparagine, which is neutral and polar, at codon 1408 of the MBD5 protein (p.Asp1408Asn). This variant is present in population databases (rs780805788, gnomAD 0.006%). This variant has not been reported in the literature in individuals affected with MBD5-related conditions. ClinVar contains an entry for this variant (Variation ID: 934248). Experimental studies and prediction algorithms are not available or were not evaluated, and the functional significance of this variant is currently unknown. In summary, the available evidence is currently insufficient to determine the role of this variant in disease. Therefore, it has been classified as a Variant of Uncertain Significance.

Ambry Genetics
Classification: Likely benign for Inborn genetic diseases. Last evaluated: 2023-12-16. Review status: criteria provided, single submitter. Criteria: Ambry Variant Classification Scheme 2023. Collection method: clinical testing. Allele origin: germline.